The following is an entry in ClinVar:

NM_000232.5(SGCB):c.947A>G (p.Asn316Ser)

Gene: SGCB (sarcoglycan beta; minus strand). Cytogenetic location: 4q12.
Variant type: single nucleotide variant.
Coding change: c.947A>G on transcript NM_000232.5 (MANE Select); coding-DNA position 947, A replaced by G.
Protein change: p.Asn316Ser; replaces asparagine 316 with serine.
Molecular consequence: missense variant.
Genome position (GRCh38, 1-based): chr4:52,023,967, T>C on the plus strand (A>G on the coding strand, the complement: SGCB is on the minus strand). VCF-style: chr4-52023967-T-C. GRCh37 (hg19) VCF-style: chr4-52890133-T-C.
Other names: short protein forms N316S.
Identifiers: ClinVar variation 2435900 (VCV002435900.4), dbSNP rs556972226, ClinGen allele CA2918236.
Genomic context (GRCh38, chr4:52,023,967, plus strand): 5'-TAAAAAAGTCAAGTCAAGATATAAACATGTTGGTGACCTCTGGGGTTCTTTTAATGAGTG[T>C]TTCCACAGGGGTTGTCTGAGATTTGGCAGCCCATGTTCTGGCTGGTTACTTGCACCTTGA-3'
Protein context (NP_000223.1, residues 306-318): GCQISDNPCG[Asn316Ser]TH

ClinVar aggregate classification (germline): Uncertain significance. Review status: criteria provided, multiple submitters, no conflicts (2 of 4 stars). 2 submissions from 2 submitters: Uncertain significance (2). Last evaluated 2024-05-01.

Conditions:
Autosomal recessive limb-girdle muscular dystrophy type 2E (LGMDR4). Also called: MUSCULAR DYSTROPHY, LIMB-GIRDLE, AUTOSOMAL RECESSIVE 4. Identifiers: Orphanet 119, MedGen C1858593, MONDO:0011423, OMIM 604286. Disease mechanism: Affects gamma-sarcoglycan and also disrupts the integrity of the entire sarcoglycan complex..

Allele frequency attached by ClinVar (database versions not stated): TOPMed below 0.00001; gnomAD 0.00001; gnomAD exomes 0.00002; ExAC 0.00005; 1000 Genomes Project 30x 0.00016; 1000 Genomes Project 0.00020.

Submissions (2):

GeneDx
Classification: Uncertain significance. Last evaluated: 2024-05-01. Review status: criteria provided, single submitter. Criteria: GeneDx Variant Classification Process June 2021. Collection method: clinical testing. Allele origin: germline. Affected: yes.
Comment: In silico analysis indicates that this missense variant does not alter protein structure/function; Has not been previously published as pathogenic or benign to our knowledge

Revvity Omics, Revvity
Classification: Uncertain significance for Autosomal recessive limb-girdle muscular dystrophy type 2E. Last evaluated: 2023-10-02. Review status: criteria provided, single submitter. Criteria: ACMG Guidelines, 2015. Collection method: clinical testing. Allele origin: germline.